The following is an entry in ClinVar:

ClinVar aggregate classification (germline): Uncertain significance (1 of 4 stars; one submission).

Conditions:
Primary dilated cardiomyopathy (DCM). Also called: Dilated Cardiomyopathy. Identifiers: Orphanet 217604, MedGen C0007193, MeSH D002311, MONDO:0005021, HP:0001644. Inheritance: Various modes of inheritance.

gnomAD v4.1: 1 of 1,614,028 alleles (0.000062%); no homozygotes.

Submission:

Labcorp Genetics (formerly Invitae), Labcorp
Classification: Uncertain significance for Primary dilated cardiomyopathy. Last evaluated: 2025-01-14. Review status: criteria provided, single submitter. Criteria: Invitae Variant Classification Sherloc (09022015). Collection method: clinical testing. Allele origin: germline.
Comment: This sequence change replaces aspartic acid, which is acidic and polar, with glutamic acid, which is acidic and polar, at codon 803 of the NEBL protein (p.Asp803Glu). This variant is not present in population databases (gnomAD no frequency). This variant has not been reported in the literature in individuals affected with NEBL-related conditions. An algorithm developed to predict the effect of missense changes on protein structure and function (PolyPhen-2) suggests that this variant is likely to be disruptive. In summary, the available evidence is currently insufficient to determine the role of this variant in disease. Therefore, it has been classified as a Variant of Uncertain Significance.

NM_006393.3(NEBL):c.2409T>A (p.Asp803Glu)

Gene: NEBL (nebulette; minus strand). Cytogenetic location: 10p12.31.
Variant type: single nucleotide variant.
Coding change: c.2409T>A on transcript NM_006393.3 (MANE Select); coding-DNA position 2409, T replaced by A.
Protein change: p.Asp803Glu; replaces aspartic acid 803 with glutamic acid.
Molecular consequence: missense variant.
Genome position (GRCh38, 1-based): chr10:20,812,878, A>T on the plus strand (T>A on the coding strand, the complement: NEBL is on the minus strand). VCF-style: chr10-20812878-A-T. GRCh37 (hg19) VCF-style: chr10-21101807-A-T.
Other names: c.420T>A, p.Asp140Glu (NM_001173484.2, NM_001377322.1, NM_213569.2); c.372T>A, p.Asp124Glu (NM_001377323.1); c.363T>A, p.Asp121Glu (NM_001377324.1); c.354T>A, p.Asp118Glu (NM_001377325.1); c.312T>A, p.Asp104Glu (NM_001377326.1, NM_001377327.1, NM_001377328.1); short protein forms D121E, D118E, D124E, D140E, D104E, D803E.
Identifiers: ClinVar variation 3682004 (VCV003682004.2).
Genomic context (GRCh38, chr10:20,812,878, plus strand): 5'-CCCTTTATAGGCAGCATCGCTGACCACCTGGGTGTTCTTCCTCACTCTCTCTGTCACAGG[A>T]TCGTCCACGACGGGAGTAAAGCCTCTCCCCTTTGTTTTTTCAAAATCTTCATGGTATTTT-3'
Protein context (NP_006384.1, residues 793-813): KGRGFTPVVD[Asp803Glu]PVTERVRKNT